The following is an entry in ClinVar:

ClinVar aggregate classification (germline): Likely benign (1 of 4 stars; one submission).

Submission:

CeGaT Center for Human Genetics Tuebingen
Classification: Likely benign. Last evaluated: 2026-03-01. Review status: criteria provided, single submitter. Criteria: CeGaT Center For Human Genetics Tuebingen Variant Classification Criteria Version 2. Collection method: clinical testing. Allele origin: germline. Affected: yes. Observed: 1 variant allele.
Comment: ASXL2: PM2:Supporting, BP4, BP7

NM_018263.6(ASXL2):c.2016A>G (p.Ala672=)

Gene: ASXL2 (ASXL transcriptional regulator 2; minus strand). Cytogenetic location: 2p23.3.
Variant type: single nucleotide variant.
Coding change: c.2016A>G on transcript NM_018263.6 (MANE Select); coding-DNA position 2016, A replaced by G.
Protein change: p.Ala672=; no amino-acid change (alanine 672 retained).
Molecular consequence: synonymous variant.
Genome position (GRCh38, 1-based): chr2:25,744,321, T>C on the plus strand (A>G on the coding strand, the complement: ASXL2 is on the minus strand). VCF-style: chr2-25744321-T-C. GRCh37 (hg19) VCF-style: chr2-25967190-T-C.
Other names: c.1842A>G, p.Ala614= (NM_001369346.1); c.1236A>G, p.Ala412= (NM_001369347.1).
Identifiers: ClinVar variation 4821810 (VCV004821810.4).